The following is an entry in ClinVar:

NM_002334.4(LRP4):c.4154A>G (p.Asn1385Ser)

Gene: LRP4 (LDL receptor related protein 4; minus strand). Cytogenetic location: 11p11.2.
Variant type: single nucleotide variant.
Coding change: c.4154A>G on transcript NM_002334.4 (MANE Select); coding-DNA position 4154, A replaced by G.
Protein change: p.Asn1385Ser; replaces asparagine 1385 with serine.
Molecular consequence: missense variant.
Genome position (GRCh38, 1-based): chr11:46,874,875, T>C on the plus strand (A>G on the coding strand, the complement: LRP4 is on the minus strand). VCF-style: chr11-46874875-T-C. GRCh37 (hg19) VCF-style: chr11-46896426-T-C.
Other names: short protein forms N1385S.
Identifiers: ClinVar variation 581226 (VCV000581226.9), dbSNP rs768733310, ClinGen allele CA5969400.

ClinVar aggregate classification (germline): Uncertain significance. Review status: criteria provided, multiple submitters, no conflicts (2 of 4 stars). 4 submissions from 4 submitters: Uncertain significance (4). Last evaluated 2026-02-19.

Conditions:
Congenital myasthenic syndrome 17. Identifiers: Orphanet 590, MedGen C4225377, MONDO:0014578, OMIM 616304.
Cenani-Lenz syndactyly syndrome. Also called: SYNDACTYLY, TYPE VII; CENANI SYNDACTYLISM. Identifiers: Orphanet 3258, MedGen C1859309, MONDO:0008931, OMIM 212780.
Sclerosteosis 2 (SOST2). Identifiers: Orphanet 3152, MedGen C3280402, MONDO:0013679, OMIM 614305.

Allele frequency attached by ClinVar (database versions not stated): gnomAD exomes below 0.00001 and 0.00002; gnomAD 0.00001; TOPMed 0.00001; ExAC 0.00002.
gnomAD v4.1: 9 of 1,614,078 alleles (0.00056%); highest among the groups gnomAD compares: East Asian, 0.018%; no homozygotes.

Submissions (4):

Women's Health and Genetics/Laboratory Corporation of America, LabCorp
Classification: Uncertain significance. Last evaluated: 2026-02-19. Review status: criteria provided, single submitter. Criteria: LabCorp Variant Classification Summary - May 2015. Collection method: clinical testing. Allele origin: germline.
Comment: Variant summary: LRP4 c.4154A>G (p.Asn1385Ser) results in a conservative amino acid change in the encoded protein sequence. Algorithms developed to predict the effect of missense changes on protein structure and function are either unavailable or do not agree on the potential impact of this missense change. The variant allele was found at a frequency of 5.6e-06 in 1607082 control chromosomes, predominantly at a frequency of 0.00018 within the East Asian subpopulation in the gnomAD database. In addition, the variant was reported in some East Asian subpopulations with an even higher allele frequency, e.g. in Chinese, with an allele frequency of 0.0011 (in the ChinaMAP database; PMID: 32355288), suggesting the variant might be a benign polymorphism. The variant, c.4154A>G, has been observed in heterozygous and homozygous state in individuals affected with dental anomalies from an East Asian family, however an obligate carrier family member was indicated to be unaffected (Kantaputra_2023, Kantaputra_2024). These reports do not provide unequivocal conclusions about association of the variant with LRP4-Related Disorders. To our knowledge, no experimental evidence demonstrating an impact on protein function has been reported. However, sequence comparison with other vertebrate species indicates this missense change is phylogenetically not constrained (e.g. PMID 29358731). The following publications have been ascertained in the context of this evaluation (PMID: 36829498, 38013205). ClinVar contains an entry for this variant (Variation ID: 581226). Based on the evidence outlined above, the variant was classified as VUS-possibly benign.

Fulgent Genetics
Classification: Uncertain significance for Cenani-Lenz syndactyly syndrome; Sclerosteosis 2; Congenital myasthenic syndrome 17. Last evaluated: 2024-06-19. Review status: criteria provided, single submitter. Criteria: ACMG Guidelines, 2015. Collection method: clinical testing. Allele origin: germline.

Labcorp Genetics (formerly Invitae), Labcorp
Classification: Uncertain significance for Cenani-Lenz syndactyly syndrome; Sclerosteosis 2; Congenital myasthenic syndrome 17. Last evaluated: 2023-11-27. Review status: criteria provided, single submitter. Criteria: Invitae Variant Classification Sherloc (09022015). Collection method: clinical testing. Allele origin: germline.
Comment: This sequence change replaces asparagine, which is neutral and polar, with serine, which is neutral and polar, at codon 1385 of the LRP4 protein (p.Asn1385Ser). This variant is present in population databases (rs768733310, gnomAD 0.02%). This variant has not been reported in the literature in individuals affected with LRP4-related conditions. ClinVar contains an entry for this variant (Variation ID: 581226). Advanced modeling of protein sequence and biophysical properties (such as structural, functional, and spatial information, amino acid conservation, physicochemical variation, residue mobility, and thermodynamic stability) performed at Invitae indicates that this missense variant is not expected to disrupt LRP4 protein function with a negative predictive value of 80%. In summary, the available evidence is currently insufficient to determine the role of this variant in disease. Therefore, it has been classified as a Variant of Uncertain Significance.

Revvity Omics, Revvity
Classification: Uncertain significance. Last evaluated: 2023-09-01. Review status: criteria provided, single submitter. Criteria: ACMG Guidelines, 2015. Collection method: clinical testing. Allele origin: germline.

Literature cited by the submitters: PubMed 36829498 (cited by Women's Health and Genetics/Laboratory Corporation of America, LabCorp); PubMed 38013205 (cited by Women's Health and Genetics/Laboratory Corporation of America, LabCorp).